The following is an entry in ClinVar:

NM_000492.4(CFTR):c.1209+1G>C

Gene: CFTR (CF transmembrane conductance regulator; plus strand). Cytogenetic location: 7q31.2.
Variant type: single nucleotide variant.
Coding change: c.1209+1G>C on transcript NM_000492.4 (MANE Select); the canonical splice donor site of the intron after coding-DNA position 1209, G replaced by C.
Molecular consequence: splice donor variant.
Genome position (GRCh38, 1-based): chr7:117,542,109, G>C. VCF-style: chr7-117542109-G-C. GRCh37 (hg19) VCF-style: chr7-117182163-G-C.
Identifiers: ClinVar variation 2735079 (VCV002735079.4), dbSNP rs397508176, ClinGen allele CA368980328.
Genomic context (GRCh38, chr7:117,542,109, plus strand): 5'-GAATATAACTTAACGACTACAGAAGTAGTGATGGAGAATGTAACAGCCTTCTGGGAGGAG[G>C]TCAGAATTTTTAAAAAATTGTTTGCTCTAAACACCTAACTGTTTTCTTCTTTGTGAATAT-3'

ClinVar aggregate classification (germline): Pathogenic. Review status: criteria provided, multiple submitters, no conflicts (2 of 4 stars). 2 submissions from 2 submitters: Pathogenic (2). Last evaluated 2026-03-04.

Conditions:
Cystic fibrosis (CF). Also called: MUCOVISCIDOSIS. Identifiers: Orphanet 586, MedGen C0010674, MONDO:0009061, OMIM 219700. Disease mechanism: loss of function.

Submissions (2):

Women's Health and Genetics/Laboratory Corporation of America, LabCorp
Classification: Pathogenic for Cystic fibrosis. Last evaluated: 2026-03-04. Review status: criteria provided, single submitter. Criteria: LabCorp Variant Classification Summary - May 2015. Collection method: clinical testing. Allele origin: germline.
Comment: Variant summary: CFTR c.1209+1G>C is located in a canonical splice-site and is predicted to affect mRNA splicing resulting in a significantly altered protein due to either exon skipping, shortening, or inclusion of intronic material. Variants that disrupt the consensus splice site are a relatively common cause of aberrant splicing and loss of CFTR function. Several computational tools predict a significant impact on normal splicing: Two predict the variant abolishes the canonical 5' splicing donor site. However, these predictions have yet to be confirmed by functional studies. The variant was absent in 249772 control chromosomes. c.1209+1G>C has been observed in individuals affected with Cystic Fibrosis and at least one individual affected with Congenital Bilateral Absence Of The Vas Deferens (e.g. Li_2012, Schrijver_2016Xu_2023, Zhou_2025). These data indicate that the variant is likely to be associated with disease. To our knowledge, no experimental evidence demonstrating an impact on protein function has been reported. The following publications have been ascertained in the context of this evaluation (PMID: 22483971, 26708955, 37477516, 39773272). ClinVar contains an entry for this variant (Variation ID: 2735079). Based on the evidence outlined above, the variant was classified as pathogenic.

Labcorp Genetics (formerly Invitae), Labcorp
Classification: Pathogenic for Cystic fibrosis. Last evaluated: 2023-11-15. Review status: criteria provided, single submitter. Criteria: Invitae Variant Classification Sherloc (09022015). Collection method: clinical testing. Allele origin: germline.
Comment: This sequence change affects a donor splice site in intron 9 of the CFTR gene. It is expected to disrupt RNA splicing. Variants that disrupt the donor or acceptor splice site typically lead to a loss of protein function (PMID: 16199547), and loss-of-function variants in CFTR are known to be pathogenic (PMID: 1695717, 7691345, 9725922). This variant is not present in population databases (gnomAD no frequency). Disruption of this splice site has been observed in individuals with CFTR-related conditions (PMID: 22483971). Algorithms developed to predict the effect of sequence changes on RNA splicing suggest that this variant may disrupt the consensus splice site. For these reasons, this variant has been classified as Pathogenic.

Literature cited by the submitters: PubMed 22483971 (cited by Women's Health and Genetics/Laboratory Corporation of America, LabCorp and Labcorp Genetics (formerly Invitae), Labcorp); PubMed 26708955 (cited by Women's Health and Genetics/Laboratory Corporation of America, LabCorp); PubMed 39773272 (cited by Women's Health and Genetics/Laboratory Corporation of America, LabCorp); PubMed 37477516 (cited by Women's Health and Genetics/Laboratory Corporation of America, LabCorp); PubMed 16199547 (cited by Labcorp Genetics (formerly Invitae), Labcorp); PubMed 1695717 (cited by Labcorp Genetics (formerly Invitae), Labcorp); PubMed 7691345 (cited by Labcorp Genetics (formerly Invitae), Labcorp); PubMed 9725922 (cited by Labcorp Genetics (formerly Invitae), Labcorp).